The following is an entry in ClinVar:

NM_001199417.2(ARHGAP23):c.1583G>A (p.Arg528His)

Gene: ARHGAP23 (Rho GTPase activating protein 23; plus strand). Cytogenetic location: 17q12.
Variant type: single nucleotide variant.
Coding change: c.1583G>A on transcript NM_001199417.2 (MANE Select); coding-DNA position 1583, G replaced by A.
Protein change: p.Arg528His; replaces arginine 528 with histidine.
Molecular consequence: missense variant.
Genome position (GRCh38, 1-based): chr17:38,467,266, G>A. VCF-style: chr17-38467266-G-A. GRCh37 (hg19) VCF-style: chr17-36623507-G-A.
Other names: short protein forms R528H.
Identifiers: ClinVar variation 2647699 (VCV002647699.24), dbSNP rs138289112, ClinGen allele CA8522411.

ClinVar aggregate classification (germline): Likely benign (1 of 4 stars; one submission).

Allele frequency attached by ClinVar (database versions not stated): 1000 Genomes Project 0.00319; 1000 Genomes Project 30x 0.00375; ExAC 0.00437; gnomAD 0.00554; TOPMed 0.00569; ESP Exome Variant Server 0.00788.

Submission:

CeGaT Center for Human Genetics Tuebingen
Classification: Likely benign. Last evaluated: 2022-11-01. Review status: criteria provided, single submitter. Criteria: CeGaT Center For Human Genetics Tuebingen Variant Classification Criteria Version 2. Collection method: clinical testing. Allele origin: germline. Affected: yes. Observed: 1 variant allele.
Comment: ARHGAP23: BS2